The following is an entry in ClinVar:

ClinVar aggregate classification (germline): Benign/Likely benign. Review status: criteria provided, multiple submitters, no conflicts (2 of 4 stars). 3 submissions from 3 submitters: Benign (1); Likely benign (2). Last evaluated 2025-11-09.

Conditions:
Hereditary cancer-predisposing syndrome. Also called: Hereditary Cancer Syndrome; Neoplastic Syndromes, Hereditary; Hereditary neoplastic syndrome; Tumor predisposition. Identifiers: Orphanet 140162, MedGen C0027672, MeSH D009386, MONDO:0015356.
Familial adenomatous polyposis 1 (FAP1). Also called: POLYPOSIS, ADENOMATOUS INTESTINAL; FAMILIAL ADENOMATOUS POLYPOSIS 1, ATTENUATED. Identifiers: MedGen C2713442, MONDO:0021056, OMIM 175100. Disease mechanism: loss of function.

Submissions (3):

Labcorp Genetics (formerly Invitae), Labcorp
Classification: Likely benign for Familial adenomatous polyposis 1. Last evaluated: 2025-11-09. Review status: criteria provided, single submitter. Criteria: Invitae Variant Classification Sherloc (09022015). Collection method: clinical testing. Allele origin: germline.

Myriad Genetics, Inc.
Classification: Benign for Familial adenomatous polyposis 1. Last evaluated: 2024-02-22. Review status: criteria provided, single submitter. Criteria: Myriad Autosomal Dominant, Autosomal Recessive and X-Linked Classification Criteria (2023). Collection method: clinical testing. Allele origin: unknown.
Comment: This variant is considered benign. This variant is a silent/synonymous amino acid change and it is not expected to impact splicing.

Ambry Genetics
Classification: Likely benign for Hereditary cancer-predisposing syndrome. Last evaluated: 2021-06-03. Review status: criteria provided, single submitter. Criteria: Ambry Variant Classification Scheme 2023. Collection method: clinical testing. Allele origin: germline.

NM_000038.6(APC):c.45A>C (p.Ala15=)

Gene: APC (APC regulator of Wnt signaling pathway; plus strand). Cytogenetic location: 5q22.2.
Variant type: single nucleotide variant.
Coding change: c.45A>C on transcript NM_000038.6 (MANE Select); coding-DNA position 45, A replaced by C.
Protein change: p.Ala15=; no amino-acid change (alanine 15 retained).
Molecular consequence: synonymous variant. On other transcripts: 5 prime UTR variant (1), intron variant (8).
Genome position (GRCh38, 1-based): chr5:112,754,935, A>C. VCF-style: chr5-112754935-A-C. GRCh37 (hg19) VCF-style: chr5-112090632-A-C.
Other names: c.45A>C, p.Ala15= (NM_001127510.3, NM_001354895.2, NM_001354896.2 and 2 more transcripts); c.-991A>C (NM_001354906.2); c.166-11391A>C (NM_001354897.2, NM_001354902.2, NM_001127511.3); c.61-11391A>C (NM_001354898.2, NM_001354904.2); c.-42-11391A>C (NM_001354900.2, NM_001354901.2, NM_001354905.2).
Identifiers: ClinVar variation 1088406 (VCV001088406.12), dbSNP rs2149737755, ClinGen allele CA445752374.
Genomic context (GRCh38, chr5:112,754,935, plus strand): 5'-CCAAGGGTAGCCAAGGATGGCTGCAGCTTCATATGATCAGTTGTTAAAGCAAGTTGAGGC[A>C]CTGAAGATGGAGAACTCAAATCTTCGACAAGAGCTAGAAGATAATTCCAATCATCTTACA-3'
Protein context (NP_000029.2, residues 5-25): SYDQLLKQVE[Ala15=]LKMENSNLRQ